The following is an entry in ClinVar:

ClinVar aggregate classification (germline): Likely benign. Review status: criteria provided, multiple submitters, no conflicts (2 of 4 stars). 2 submissions from 2 submitters: Likely benign (2). Last evaluated 2023-10-03.

Conditions:
Holoprosencephaly 9 (HPE9). Also called: HOLOPROSENCEPHALY WITH MICROPHTHALMIA AND FIRST BRANCHIAL ARCH ANOMALIES; PITUITARY ANOMALIES WITH HOLOPROSENCEPHALY-LIKE FEATURES. Identifiers: Orphanet 2162, MedGen C1835819, MONDO:0012563, OMIM 610829.
Postaxial polydactyly-anterior pituitary anomalies-facial dysmorphism syndrome. Also called: Culler-Jones syndrome. Identifiers: Orphanet 420584, MedGen C4014479, MONDO:0014369, OMIM 615849.

Allele frequency attached by ClinVar (database versions not stated): gnomAD 0.00001; gnomAD exomes 0.00001 and 0.00003; TOPMed 0.00001; ExAC 0.00002; 1000 Genomes Project 30x 0.00031; 1000 Genomes Project 0.00040.
gnomAD v4.1: 10 of 1,612,896 alleles (0.00062%); highest among the groups gnomAD compares: East Asian, 0.02%; no homozygotes.

Submissions (2):

Labcorp Genetics (formerly Invitae), Labcorp
Classification: Likely benign for Postaxial polydactyly-anterior pituitary anomalies-facial dysmorphism syndrome; Holoprosencephaly 9. Last evaluated: 2023-10-03. Review status: criteria provided, single submitter. Criteria: Invitae Variant Classification Sherloc (09022015). Collection method: clinical testing. Allele origin: germline.

Illumina Laboratory Services, Illumina
Classification: Likely benign for Holoprosencephaly 9. Last evaluated: 2018-01-12. Review status: criteria provided, single submitter. Criteria: ICSL Variant Classification Criteria 13 December 2019. Collection method: clinical testing. Allele origin: germline.
Comment: This variant was observed in the ICSL laboratory as part of a predisposition screen in an ostensibly healthy population. It had not been previously curated by ICSL or reported in the Human Gene Mutation Database (HGMD: prior to June 1st, 2018), and was therefore a candidate for classification through an automated scoring system. Utilizing variant allele frequency, disease prevalence and penetrance estimates, and inheritance mode, an automated score was calculated to assess if this variant is too frequent to cause the disease. Based on the score and internal cut-off values, a variant classified as likely benign is not then subjected to further curation. The score for this variant resulted in a classification of likely benign for this disease.

NM_001374353.1(GLI2):c.1890G>A (p.Lys630=)

Gene: GLI2 (GLI family zinc finger 2; plus strand). Cytogenetic location: 2q14.2.
Variant type: single nucleotide variant.
Coding change: c.1890G>A on transcript NM_001374353.1 (MANE Select); coding-DNA position 1890, G replaced by A.
Protein change: p.Lys630=; no amino-acid change (lysine 630 retained).
Molecular consequence: synonymous variant.
Genome position (GRCh38, 1-based): chr2:120,984,728, G>A. VCF-style: chr2-120984728-G-A. GRCh37 (hg19) VCF-style: chr2-121742304-G-A.
Other names: c.1941G>A, p.Lys647= (NM_001371271.1, NM_005270.5); c.1515G>A, p.Lys505= (NM_001374354.1).
Identifiers: ClinVar variation 330974 (VCV000330974.12), dbSNP rs565184396, ClinGen allele CA1852051.
Genomic context (GRCh38, chr2:120,984,728, plus strand): 5'-CACCGAGGCCAGCAGCACCAGCCAGGCCGTGGAGGACTGCCTGCACGTCAGAGCCATCAA[G>A]ACCGAGAGCTCCGGGGTAAGCGGAGCTGGGCAGCCCAGCCACGCAAGGCGACTCCATAGC-3'
Protein context (NP_001361282.1, residues 620-640): VEDCLHVRAI[Lys630=]TESSGLCQSS